The following is an entry in ClinVar:

ClinVar aggregate classification (germline): Uncertain significance (1 of 4 stars; one submission).

Conditions:
Usher syndrome type 1D (USH1D). Also called: USHER SYNDROME, TYPE ID. Identifiers: Orphanet 231169, Orphanet 886, MedGen C1832845, MONDO:0010984, OMIM 601067.
Autosomal recessive nonsyndromic hearing loss 12. Also called: DEAFNESS, AUTOSOMAL RECESSIVE 12. Identifiers: Orphanet 90636, MedGen C1832394, MONDO:0011067, OMIM 601386.
Pituitary adenoma 5, multiple types. Identifiers: MedGen C4539685, MONDO:0054601, OMIM 617540.

Submission:

Juno Genomics, Hangzhou Juno Genomics, Inc
Classification: Uncertain significance for Pituitary adenoma 5, multiple types; Autosomal recessive nonsyndromic hearing loss 12; Usher syndrome type 1D. Review status: criteria provided, single submitter. Criteria: ACMG Guidelines, 2015. Collection method: clinical testing. Allele origin: germline.
Comment: Absent from controls (or at extremely low frequency if recessive) in Genome Aggregation Database.

NM_022124.6(CDH23):c.2654A>G (p.Asp885Gly)

Gene: CDH23 (cadherin related 23; plus strand). Cytogenetic location: 10q22.1.
Variant type: single nucleotide variant.
Coding change: c.2654A>G on transcript NM_022124.6 (MANE Select); coding-DNA position 2654, A replaced by G.
Protein change: p.Asp885Gly; replaces aspartic acid 885 with glycine.
Molecular consequence: missense variant.
Genome position (GRCh38, 1-based): chr10:71,702,615, A>G. VCF-style: chr10-71702615-A-G. GRCh37 (hg19) VCF-style: chr10-73462372-A-G.
Other names: c.2654A>G, p.Asp885Gly (NM_001171930.2, NM_001171931.2); short protein forms D885G.
Identifiers: ClinVar variation 5019762 (VCV005019762.2).